The following is an entry in ClinVar:

ClinVar aggregate classification (germline): Benign/Likely benign. Review status: criteria provided, multiple submitters, no conflicts (2 of 4 stars). 7 submissions from 7 submitters: Benign (1); Likely benign (3). 3 of the submissions do not count toward it. Last evaluated 2025-10-09.

Conditions:
Colorectal cancer. Also called: Colorectal cancer, somatic; Malignant Colorectal Neoplasm. Identifiers: MedGen C0346629, MONDO:0005575, OMIM 114500.
DLC1-related disorder. Also called: DLC1-related condition.

Allele frequency attached by ClinVar (database versions not stated): 1000 Genomes Project 0.00060; 1000 Genomes Project 30x 0.00094; TOPMed 0.00168; gnomAD 0.00174 and 0.00179; ESP Exome Variant Server 0.00177; gnomAD exomes 0.00197; ExAC 0.00219.
gnomAD v4.1: 3,766 of 1,613,244 alleles (0.23%); highest among the groups gnomAD compares: Non-Finnish European, 0.29%; 12 homozygotes.

Submissions (7):

Labcorp Genetics (formerly Invitae), Labcorp
Classification: Benign. Last evaluated: 2025-10-09. Review status: criteria provided, single submitter. Criteria: Invitae Variant Classification Sherloc (09022015). Collection method: clinical testing. Allele origin: germline.

CeGaT Center for Human Genetics Tuebingen
Classification: Likely benign. Last evaluated: 2024-11-01. Review status: criteria provided, single submitter. Criteria: CeGaT Center For Human Genetics Tuebingen Variant Classification Criteria Version 2. Collection method: clinical testing. Allele origin: germline. Affected: yes. Observed: 1 variant allele.
Comment: DLC1: BP4

Blueprint Genetics
Classification: Likely benign. Last evaluated: 2024-10-14. Review status: criteria provided, single submitter. Criteria: ACMG Guidelines, 2015. Collection method: clinical testing. Allele origin: germline.

Fulgent Genetics
Classification: Likely benign for Colorectal cancer. Last evaluated: 2021-08-06. Review status: criteria provided, single submitter. Criteria: ACMG Guidelines, 2015. Collection method: clinical testing. Allele origin: unknown.

PreventionGenetics, part of Exact Sciences
Classification: Likely benign for DLC1-related condition. Last evaluated: 2019-04-01. Review status: no assertion criteria provided. Collection method: clinical testing. Allele origin: germline. Not counted in ClinVar's aggregate classification.
Comment: This variant is classified as likely benign based on ACMG/AMP sequence variant interpretation guidelines (Richards et al. 2015 PMID: 25741868, with internal and published modifications).

Clinical Genetics DNA and cytogenetics Diagnostics Lab, Erasmus MC, Erasmus Medical Center
Classification: Likely benign. Review status: no assertion criteria provided. Collection method: clinical testing. Allele origin: germline. Affected: yes. Study: VKGL Data-share Consensus. Not counted in ClinVar's aggregate classification.

Genome Diagnostics Laboratory, University Medical Center Utrecht
Classification: Likely benign. Review status: no assertion criteria provided. Collection method: clinical testing. Allele origin: germline. Affected: yes. Study: VKGL Data-share Consensus. Not counted in ClinVar's aggregate classification.

NM_182643.3(DLC1):c.3856-6G>A

Genes: DLC1 (DLC1 Rho GTPase activating protein; minus strand), LOC126860305 (MED14-independent group 3 enhancer GRCh37_chr8:12947375-12948574; plus strand). Cytogenetic location: 8p22.
Variant type: single nucleotide variant.
Coding change: c.3856-6G>A on transcript NM_182643.3 (MANE Select); 6 bases into the intron before coding-DNA position 3856, G replaced by A.
Molecular consequence: intron variant.
Genome position (GRCh38, 1-based): chr8:13,090,476, C>T on the plus strand (G>A on the coding strand, the complement: DLC1 is on the minus strand). VCF-style: chr8-13090476-C-T. GRCh37 (hg19) VCF-style: chr8-12947985-C-T.
Other names: c.2323-6G>A (NM_001348082.2, NM_001348084.2, NM_001164271.2 and 1 more transcripts); c.3856-6G>A (NM_001348081.2, NM_182643.2); c.2647-6G>A (NM_001316668.2); c.2545-6G>A (NM_006094.5).
Identifiers: ClinVar variation 1328014 (VCV001328014.25), dbSNP rs200102232, ClinGen allele CA4638122.